The following is an entry in ClinVar:

ClinVar aggregate classification (germline): Uncertain significance (1 of 4 stars; one submission).

Allele frequency attached by ClinVar (database versions not stated): 1000 Genomes Project 0.00040; 1000 Genomes Project 30x 0.00047; gnomAD 0.00073; TOPMed 0.00073; ExAC 0.00082; gnomAD exomes 0.00082; ESP Exome Variant Server 0.00088.
gnomAD v4.1: 1,318 of 1,614,022 alleles (0.082%); highest among the groups gnomAD compares: Middle Eastern, 0.13%; 2 homozygotes.

Submission:

CeGaT Center for Human Genetics Tuebingen
Classification: Uncertain significance. Last evaluated: 2023-03-01. Review status: criteria provided, single submitter. Criteria: CeGaT Center For Human Genetics Tuebingen Variant Classification Criteria Version 2. Collection method: clinical testing. Allele origin: germline. Affected: yes. Observed: 1 variant allele.
Comment: UMODL1: PM2, BP4

NM_001004416.3(UMODL1):c.3934A>G (p.Ser1312Gly)

Gene: UMODL1 (uromodulin like 1; plus strand). Cytogenetic location: 21q22.3.
Variant type: single nucleotide variant.
Coding change: c.3934A>G on transcript NM_001004416.3 (MANE Select); coding-DNA position 3934, A replaced by G.
Protein change: p.Ser1312Gly; replaces serine 1312 with glycine.
Molecular consequence: missense variant.
Genome position (GRCh38, 1-based): chr21:42,137,597, A>G. VCF-style: chr21-42137597-A-G. GRCh37 (hg19) VCF-style: chr21-43557707-A-G.
Other names: c.4102A>G, p.Ser1368Gly (NM_001199527.3); c.3718A>G, p.Ser1240Gly (NM_001199528.4); c.4318A>G, p.Ser1440Gly (NM_173568.4); short protein forms S1240G, S1312G, S1368G, S1440G.
Identifiers: ClinVar variation 2652704 (VCV002652704.24), dbSNP rs200403033, ClinGen allele CA10040711.